The following is an entry in ClinVar:

ClinVar aggregate classification (germline): Benign/Likely benign. Review status: criteria provided, multiple submitters, no conflicts (2 of 4 stars). 3 submissions from 3 submitters: Benign (1); Likely benign (2). Last evaluated 2025-09-27.

Submissions (3):

Labcorp Genetics (formerly Invitae), Labcorp
Classification: Benign. Last evaluated: 2025-09-27. Review status: criteria provided, single submitter. Criteria: Invitae Variant Classification Sherloc (09022015). Collection method: clinical testing. Allele origin: germline.

Blueprint Genetics
Classification: Likely benign. Last evaluated: 2024-11-15. Review status: criteria provided, single submitter. Criteria: ACMG Guidelines, 2015. Collection method: clinical testing. Allele origin: germline.

GeneDx
Classification: Likely benign. Last evaluated: 2016-03-01. Review status: criteria provided, single submitter. Criteria: GeneDx Variant Classification (06012015). Collection method: clinical testing. Allele origin: germline. Affected: yes.
Comment: This variant is considered likely benign or benign based on one or more of the following criteria: it is a conservative change, it occurs at a poorly conserved position in the protein, it is predicted to be benign by multiple in silico algorithms, and/or has population frequency not consistent with disease.

NM_001377299.1(NDUFS2):c.702+14_702+17dup

Gene: NDUFS2 (NADH:ubiquinone oxidoreductase core subunit S2; plus strand). Cytogenetic location: 1q23.3.
Variant type: Duplication.
Coding change: c.702+14_702+17dup on transcript NM_001377299.1 (MANE Select); bases 14 to 17 of the intron after coding-DNA position 702, 4 bases duplicated (CGGC; older notation c.702+14_702+17dupCGGC).
Molecular consequence: intron variant.
Genome position (GRCh38, 1-based): chr1:161,209,945-161,209,948, CGGC duplicated; duplicating any 4 consecutive bases within chr1:161,209,944-161,209,948 gives the same sequence; the c. name uses the placement nearest the transcript's 3' end. VCF-style (leftmost placement, unchanged base first): chr1-161209943-C-CCCGG. GRCh37 (hg19) VCF-style: chr1-161179733-C-CCCGG.
Other names: c.702+14_702+17dup (NM_001377300.1, NM_001377298.1, NM_001377301.1 and 3 more transcripts).
Identifiers: ClinVar variation 293276 (VCV000293276.13), dbSNP rs776704187, ClinGen allele CA1208654.